The following is an entry in ClinVar:

ClinVar aggregate classification (germline): Uncertain significance (1 of 4 stars; one submission).

Conditions:
Hereditary cancer-predisposing syndrome. Also called: Neoplastic Syndromes, Hereditary; Tumor predisposition; Hereditary neoplastic syndrome; Hereditary Cancer Syndrome. Identifiers: Orphanet 140162, MedGen C0027672, MeSH D009386, MONDO:0015356.

Submission:

Ambry Genetics
Classification: Uncertain significance for Hereditary cancer-predisposing syndrome. Last evaluated: 2026-07-06. Review status: criteria provided, single submitter. Criteria: Ambry Variant Classification Scheme 2023. Collection method: clinical testing. Allele origin: germline.
Comment: The p.A1065P variant (also known as c.3193G>C), located in coding exon 23 of the MSH3 gene, results from a G to C substitution at nucleotide position 3193. The alanine at codon 1065 is replaced by proline, an amino acid with highly similar properties. This amino acid position is conserved. In addition, the in silico prediction for this alteration is inconclusive. Based on the available evidence, the clinical significance of this variant remains unclear.

NM_002439.5(MSH3):c.3193G>C (p.Ala1065Pro)

Gene: MSH3 (mutS homolog 3; plus strand). Cytogenetic location: 5q14.1.
Variant type: single nucleotide variant.
Coding change: c.3193G>C on transcript NM_002439.5 (MANE Select); coding-DNA position 3193, G replaced by C.
Protein change: p.Ala1065Pro; replaces alanine 1065 with proline.
Molecular consequence: missense variant.
Genome position (GRCh38, 1-based): chr5:80,873,178, G>C. VCF-style: chr5-80873178-G-C. GRCh37 (hg19) VCF-style: chr5-80168997-G-C.
Other names: short protein forms A1065P.
Identifiers: ClinVar variation 5024771 (VCV005024771.1).